The following is an entry in ClinVar:

NM_001367721.1(CASK):c.1273G>A (p.Ala425Thr)

Gene: CASK (calcium/calmodulin dependent serine protein kinase; minus strand). Cytogenetic location: Xp11.4.
Variant type: single nucleotide variant.
Coding change: c.1273G>A on transcript NM_001367721.1 (MANE Select); coding-DNA position 1273, G replaced by A.
Protein change: p.Ala425Thr; replaces alanine 425 with threonine.
Molecular consequence: missense variant.
Genome position (GRCh38, 1-based): chrX:41,586,948, C>T on the plus strand (G>A on the coding strand, the complement: CASK is on the minus strand). VCF-style: chrX-41586948-C-T. GRCh37 (hg19) VCF-style: chrX-41446201-C-T.
Other names: c.1273G>A, p.Ala425Thr (NM_001126054.3, NM_003688.4); c.1255G>A, p.Ala419Thr (NM_001126055.3, NM_001410745.1); short protein forms A425T, A419T.
Identifiers: ClinVar variation 423072 (VCV000423072.2), dbSNP rs1064796207, ClinGen allele CA16621404.

ClinVar aggregate classification (germline): Uncertain significance (1 of 4 stars; one submission).

Allele frequency attached by ClinVar (database versions not stated): gnomAD 0.00001; gnomAD exomes 0.00001; TOPMed 0.00001.
gnomAD v4.1: 8 of 1,179,664 alleles (0.00068%); highest among the groups gnomAD compares: South Asian, 0.0018%; no homozygotes.

Submission:

GeneDx
Classification: Uncertain significance. Last evaluated: 2018-11-29. Review status: criteria provided, single submitter. Criteria: GeneDx Variant Classification (06012015). Collection method: clinical testing. Allele origin: germline. Affected: yes.
Comment: The A425T variant in the CASK gene has not been reported previously as a pathogenic variant, nor as a benign variant, to our knowledge. The A425T variant is not observed in large population cohorts (Lek et al., 2016; 1000 Genomes Consortium et al., 2015; Exome Variant Server). The A425T variant is a non-conservative amino acid substitution, which is likely to impact secondary protein structure as these residues differ in polarity, charge, size and/or other properties. This substitution occurs at a position that is conserved across species. In silico analysis is inconsistent in its predictions as to whether or not the variant is damaging to the protein structure/function. We interpret A425T as a variant of uncertain significance.